The following is an entry in ClinVar:

NM_000264.5(PTCH1):c.2670C>T (p.Thr890=)

Gene: PTCH1 (patched 1; minus strand). Cytogenetic location: 9q22.32.
Variant type: single nucleotide variant.
Coding change: c.2670C>T on transcript NM_000264.5 (MANE Select); coding-DNA position 2670, C replaced by T.
Protein change: p.Thr890=; no amino-acid change (threonine 890 retained).
Molecular consequence: synonymous variant. On other transcripts: non-coding transcript variant (1).
Genome position (GRCh38, 1-based): chr9:95,461,889, G>A on the plus strand (C>T on the coding strand, the complement: PTCH1 is on the minus strand). VCF-style: chr9-95461889-G-A. GRCh37 (hg19) VCF-style: chr9-98224171-G-A.
Other names: c.2472C>T, p.Thr824= (NM_001083602.3); c.2667C>T, p.Thr889= (NM_001083603.3); c.2217C>T, p.Thr739= (NM_001083604.3, NM_001083605.3, NM_001083606.3 and 1 more transcripts); c.2514C>T, p.Thr838= (NM_001354918.2).
Identifiers: ClinVar variation 697764 (VCV000697764.17), dbSNP rs770685875, ClinGen allele CA5138356.

ClinVar aggregate classification (germline): Likely benign. Review status: criteria provided, multiple submitters, no conflicts (2 of 4 stars). 4 submissions from 4 submitters: Likely benign (3). 1 of the submissions does not count toward it. Last evaluated 2025-11-25.

Conditions:
Gorlin syndrome. Also called: Basal cell nevus syndrome; Nevoid Basal Cell Carcinoma Syndrome. Identifiers: Orphanet 377, MedGen C0004779, MONDO:0007187.
Hereditary cancer-predisposing syndrome. Also called: Neoplastic Syndromes, Hereditary; Hereditary neoplastic syndrome; Hereditary Cancer Syndrome; Tumor predisposition. Identifiers: Orphanet 140162, MedGen C0027672, MeSH D009386, MONDO:0015356.
PTCH1-related disorder. Also called: PTCH1-related disorders; PTCH1-related condition.

Allele frequency attached by ClinVar (database versions not stated): gnomAD 0.00001; gnomAD exomes 0.00001 and 0.00002; TOPMed 0.00002; ExAC 0.00003.
gnomAD v4.1: 22 of 1,614,084 alleles (0.0014%); highest among the groups gnomAD compares: East Asian, 0.0089%; no homozygotes.

Submissions (4):

Labcorp Genetics (formerly Invitae), Labcorp
Classification: Likely benign for Gorlin syndrome. Last evaluated: 2025-11-25. Review status: criteria provided, single submitter. Criteria: Invitae Variant Classification Sherloc (09022015). Collection method: clinical testing. Allele origin: germline.

Blueprint Genetics
Classification: Likely benign. Last evaluated: 2024-07-18. Review status: criteria provided, single submitter. Criteria: ACMG Guidelines, 2015. Collection method: clinical testing. Allele origin: germline.

Ambry Genetics
Classification: Likely benign for Hereditary cancer-predisposing syndrome. Last evaluated: 2018-07-06. Review status: criteria provided, single submitter. Criteria: Ambry Variant Classification Scheme 2023. Collection method: clinical testing. Allele origin: germline.

PreventionGenetics, part of Exact Sciences
Classification: Likely benign for PTCH1-related condition. Last evaluated: 2022-04-11. Review status: no assertion criteria provided. Collection method: clinical testing. Allele origin: germline. Not counted in ClinVar's aggregate classification.
Comment: This variant is classified as likely benign based on ACMG/AMP sequence variant interpretation guidelines (Richards et al. 2015 PMID: 25741868, with internal and published modifications).